The following continues an entry in ClinVar:

NM_000063.6(C2):c.841_849+19del

Gene: C2. ClinVar aggregate classification (germline): Pathogenic/Likely pathogenic. Pathogenic (21); Likely pathogenic (2).

Submissions 15 to 31 of 31:

Women's Health and Genetics/Laboratory Corporation of America, LabCorp
Classification: Pathogenic for C2-Related Disorders. Last evaluated: 2023-09-13. Review status: criteria provided, single submitter. Criteria: LabCorp Variant Classification Summary - May 2015. Collection method: clinical testing. Allele origin: germline.
Comment: Variant summary: C2 c.841_849+19del28 involves the deletion of a canonical 5' donor splice-site and is therefore predicted to affect mRNA splicing resulting in a significantly altered protein due to either exon skipping, shortening, or inclusion of intronic material. Accordingly, several computational tools predict a significant impact on normal splicing, with three predicting the variant abolishes the canonical 5' splicing donor site. At least one publication reports experimental evidence that this variant indeed affects mRNA splicing, resulting in the skipping of exon 6, which causes a frameshift and premature termination codon that is expected to be affected by nonsense mediate decay. The variant allele was found at a frequency of 0.0046 in 251134 control chromosomes in the gnomAD database, including 2 homozygotes and is found at a high frequency (0.011) in the Ashkenazi Jewish subpopulation, providing supporting evidence for a benign role. However, c.841_849+19del28 has been reported in the literature in multiple homozygous individuals affected with Complement Component 2 Deficiency and has been found to segregate with the disease phenotype in more than one family (e.g. Johnson_1992, Rice_2016, Morup_2022). These data indicate that the variant is very likely to be associated with disease, but may exhibit reduced penetrance. The following publications have been ascertained in the context of this evaluation (PMID: 1577763, 27943079, 35874679). Ten submitters have cited clinical-significance assessments for this variant to ClinVar after 2014. All submitters classified the variant as pathogenic (n=9)/likely pathogenic (n=1). Based on the evidence outlined above, the variant was classified as pathogenic.

Department of Pathology and Laboratory Medicine, Sinai Health System
Classification: Pathogenic for complement component 2 deficiency. Last evaluated: 2023-04-24. Review status: criteria provided, single submitter. Criteria: ACMG Guidelines, 2015. Collection method: research. Allele origin: germline.

Clinical Genetics Laboratory, Skane University Hospital Lund
Classification: Pathogenic. Last evaluated: 2022-05-27. Review status: criteria provided, single submitter. Criteria: ACMG Guidelines, 2015. Collection method: clinical testing. Allele origin: germline. Affected: yes.

Mendelics
Classification: Pathogenic for Complement component 2 deficiency. Last evaluated: 2022-05-04. Review status: criteria provided, single submitter. Criteria: Mendelics Assertion Criteria 2019. Collection method: clinical testing. Allele origin: germline.

AiLife Diagnostics
Classification: Likely pathogenic. Last evaluated: 2022-03-23. Review status: criteria provided, single submitter. Criteria: ACMG Guidelines, 2015. Collection method: clinical testing. Allele origin: germline. Affected: yes. Observed: 2 variant alleles.

GeneDx
Classification: Pathogenic. Last evaluated: 2022-01-06. Review status: criteria provided, single submitter. Criteria: GeneDx Variant Classification Process June 2021. Collection method: clinical testing. Allele origin: germline. Affected: yes.
Comment: Functional studies demonstrate that this variant results in skipping of exon 6 (Johnson et al., 1992); Canonical splice site variant predicted to result in a null allele in a gene for which loss-of-function is a known mechanism of disease; This variant is associated with the following publications: (PMID: 1577763, 31440263, 25454804, 33726816, 27535533)

Institute for Clinical Genetics, University Hospital TU Dresden, University Hospital TU Dresden
Classification: Pathogenic. Last evaluated: 2021-11-03. Review status: criteria provided, single submitter. Criteria: ACMG Guidelines, 2015. Collection method: clinical testing. Allele origin: germline.

Laboratory for Molecular Medicine, Mass General Brigham Personalized Medicine
Classification: Pathogenic for Complement component 2 deficiency. Last evaluated: 2017-01-12. Review status: criteria provided, single submitter. Criteria: ACMG Guidelines, 2015. Collection method: clinical testing. Allele origin: germline. Inheritance: Autosomal recessive inheritance. Study: CSER-MedSeq.
Comment: The c.841_849+19del variant in C2 is the most common pathogenic variant for C2 deficiency (Johnson 1992, Truedsson 1993), accounting for about 90% of cases (Truedsson 2015). It has been identified in 1.2% (123/10162) of Ashkenazi Jewish chromosomes and 0.8% (1001/126816) of European chromosomes by the Genome Aggregation Database (gnomAD; dbSNP rs572361305); however, this frequency is low enough to be consistent with the frequency of C2 deficiency in the general population. This variant is a deletion of 28 bp, including the invariant region of the splice consensus sequence, and has been shown to cause skipping of exon 6, leading to a frameshift (Johnson 1992). In summary, the c.841_849+19del meets criteria to be classified as pathogenic for C2 deficiency in an autosomal recessive manner.

Juno Genomics, Hangzhou Juno Genomics, Inc
Classification: Pathogenic for Age related macular degeneration 14; Complement component 2 deficiency. Review status: criteria provided, single submitter. Criteria: ACMG Guidelines, 2015. Collection method: clinical testing. Allele origin: germline.
Comment: Null variant in a gene where loss of function (LOF) is a known mechanism of disease.;The prevalence of the variant in affected individuals is significantly increased compared to the prevalence in controls.;Co-segregation with disease in multiple affected family members.;Observed in a healthy adult individual for a recessive/dominant/X-linked disorder with full penetrance.

PreventionGenetics, part of Exact Sciences
Classification: Likely pathogenic for C2-related condition. Last evaluated: 2024-09-05. Review status: no assertion criteria provided. Collection method: clinical testing. Allele origin: germline. Not counted in ClinVar's aggregate classification.
Comment: The C2 c.841_849+19del28 variant is predicted to result in a deletion affecting a canonical splice site. This variant is predicted to result in a deletion encompassing the splice donor site at the exon 6/intron 6 boundary and has been reported to result in exon 6 skipping, with splicing prediction programs also indicating splicing alterations (Johnson et al. 1992. PubMed ID: 1577763; Alamut Visual Plus v1.6.1). This variant has been reported in many homozygous and compound heterozygous individuals with complement C2 deficiency (Zhu et al. 1998. PubMed ID: 9670930; Johnson et al. 1992. PubMed ID: 1577763; Liphaus et al. 2015. PubMed ID: 26017655; Blazina et al. 2018. PubMed ID: 29619023). Of note, heterozygous carriers of the c.841_849+19del were also found to have clinical features of C2 deficiency, including purulent meningitis, recurrent sinusitis, recurrent impetigo, pneumonia, and recurrent otitis (Blazina et al. 2018. PubMed ID: 29619023). This variant is reported in 1.18% of alleles in individuals of Ashkenazi Jewish descent in gnomAD; however, the allele balance is skewed for many heterozygous individuals indicating this data may not be reliable. In the ClinVar database, this variant has been reported as pathogenic or likely pathogenic by several outside laboratories. Of note, alternative transcripts have been reported for the C2 gene including two which have alternative splicing omitting exon 6 (NM_001178063.2 and NM_001282457.1; Cheng and Volanakis. 1994. PubMed ID: 8120386). Taken together, we interpret this variant as likely pathogenic.

Reproductive Health Research and Development, BGI Genomics
Classification: Pathogenic for Complement component 2 deficiency. Last evaluated: 2020-01-06. Review status: no assertion criteria provided. Collection method: curation. Allele origin: germline. Not counted in ClinVar's aggregate classification.
Comment: NM_001282459.1:c.841_868del in the C2 gene has an allele frequency of 0.012 in Ashkenazi Jewish subpopulation in the gnomAD database. This variant also known as NM_000063.6(C2):c.841_849+19del has been reported in homozygosity in 6 probands with C2-deficiency, and segregated with disease in 2 affected homozygous relatives in one family (PMID: 1577763). The 28bp deletion leads to skipping of exon 6 and a premature stop-codon. Taken together, we interprete this variant as Pathogenic/Likely pathogenic. ACMG/AMP Criteria applied: PVS1, PM3, PP4, PP1.

Bioscientia Institut fuer Medizinische Diagnostik GmbH, Sonic Healthcare
Classification: Pathogenic for Complement component 2 deficiency. Last evaluated: 2019-11-19. Review status: no assertion criteria provided. Collection method: clinical testing. Allele origin: germline. Affected: yes. Not counted in ClinVar's aggregate classification.

OMIM
Classification: Pathogenic for C2 DEFICIENCY, TYPE I. Last evaluated: 1992-05-05. Review status: no assertion criteria provided. Collection method: literature only. Allele origin: germline. Not counted in ClinVar's aggregate classification.

Dr. Peter K. Rogan Lab, Western University
No classification provided (evidence only). Condition: Hepatocellular carcinoma. Review status: no classification provided. Collection method: in vitro. Allele origin: not applicable. Functional consequence: skipped exon. Not counted in ClinVar's aggregate classification.

Dr. Peter K. Rogan Lab, Western University
No classification provided (evidence only). Condition: Hepatocellular carcinoma. Review status: no classification provided. Collection method: in vitro. Allele origin: not applicable. Functional consequence: skipped exon. Not counted in ClinVar's aggregate classification.

Dr. Peter K. Rogan Lab, Western University
No classification provided (evidence only). Condition: Malignant tumor of esophagus. Review status: no classification provided. Collection method: in vitro. Allele origin: not applicable. Functional consequence: skipped exon. Not counted in ClinVar's aggregate classification.

Genomic Medicine Center of Excellence, King Faisal Specialist Hospital and Research Centre
Classification: Uncertain significance for Complement component 2 deficiency. Last evaluated: 2024-04-04. Review status: flagged submission. Criteria: ACMG Guidelines, 2015. Collection method: clinical testing. Allele origin: germline. Not counted in ClinVar's aggregate classification.
ClinVar note: Reason: Outlier claim with insufficient supporting evidence

Literature cited by the submitters: PubMed 1577763 (cited by 10 submitters); PubMed 31440263 (cited by 4 submitters); PubMed 35729719 (cited by Dasa); PubMed 9616367 (cited by 3 submitters); PubMed 29619023 (cited by Center for Genomic Medicine, Rigshospitalet, Copenhagen University Hospital); PubMed 11115162 (cited by Center for Genomic Medicine, Rigshospitalet, Copenhagen University Hospital); PubMed 27943079 (cited by 3 submitters); PubMed 35874679 (cited by 3 submitters); PubMed 9670930 (cited by Mayo Clinic Laboratories, Mayo Clinic); PubMed 31980526 (cited by AiLife Diagnostics); PubMed 34426522 (cited by AiLife Diagnostics); PubMed 33726816 (cited by AiLife Diagnostics); PubMed 26590091 (cited by Laboratory for Molecular Medicine, Mass General Brigham Personalized Medicine); PubMed 7901282 (cited by Laboratory for Molecular Medicine, Mass General Brigham Personalized Medicine); PubMed 26038300 (cited by Laboratory for Molecular Medicine, Mass General Brigham Personalized Medicine); PubMed 8645999 (cited by Laboratory for Molecular Medicine, Mass General Brigham Personalized Medicine); PubMed 25454804 (cited by Laboratory for Molecular Medicine, Mass General Brigham Personalized Medicine); Johnson, C. A., Densen, P., Hurford, R., Colten, H. R., Wetsel, R. A. Deficiency of human complement C2, type I: a 28bp gene deletion leads to a splicing defect. (Abstract) Clin. Res. 39: 304A, 1991. (cited by OMIM).